The following is an entry in ClinVar:

NM_003611.3(OFD1):c.790G>C (p.Glu264Gln)

Gene: OFD1 (OFD1 centriole and centriolar satellite protein; plus strand). Cytogenetic location: Xp22.2.
Variant type: single nucleotide variant.
Coding change: c.790G>C on transcript NM_003611.3 (MANE Select); coding-DNA position 790, G replaced by C.
Protein change: p.Glu264Gln; replaces glutamic acid 264 with glutamine.
Molecular consequence: missense variant.
Genome position (GRCh38, 1-based): chrX:13,746,915, G>C. VCF-style: chrX-13746915-G-C. GRCh37 (hg19) VCF-style: chrX-13765034-G-C.
Other names: c.790G>C, p.Glu264Gln (NM_001330209.2); c.370G>C, p.Glu124Gln (NM_001330210.2); short protein forms E124Q, E264Q.
Identifiers: ClinVar variation 1721640 (VCV001721640.6), dbSNP rs2518839558, ClinGen allele CA412338117.

ClinVar aggregate classification (germline): Uncertain significance (1 of 4 stars; one submission).

Conditions:
Joubert syndrome. Also called: CEREBELLOPARENCHYMAL DISORDER IV; JOUBERT-BOLTSHAUSER SYNDROME; Familial aplasia of the vermis. Identifiers: Orphanet 475, MedGen C5979921, MONDO:0018772.
Orofaciodigital syndrome I (OFD1). Also called: OFDS I; Papillon-Leage and Psaume Syndrome; Oral-Facial-Digital Syndrome Type I. Identifiers: Orphanet 2750, MedGen C1510460, MONDO:0010702, OMIM 311200.

Submission:

Labcorp Genetics (formerly Invitae), Labcorp
Classification: Uncertain significance for Orofaciodigital syndrome I; Joubert syndrome. Last evaluated: 2022-10-14. Review status: criteria provided, single submitter. Criteria: Invitae Variant Classification Sherloc (09022015). Collection method: clinical testing. Allele origin: germline.
Comment: In summary, the available evidence is currently insufficient to determine the role of this variant in disease. Therefore, it has been classified as a Variant of Uncertain Significance. Advanced modeling of protein sequence and biophysical properties (such as structural, functional, and spatial information, amino acid conservation, physicochemical variation, residue mobility, and thermodynamic stability) performed at Invitae indicates that this missense variant is not expected to disrupt OFD1 protein function. This variant has not been reported in the literature in individuals affected with OFD1-related conditions. This variant is not present in population databases (gnomAD no frequency). This sequence change replaces glutamic acid, which is acidic and polar, with glutamine, which is neutral and polar, at codon 264 of the OFD1 protein (p.Glu264Gln).